The following is an entry in ClinVar:

NM_000243.3(MEFV):c.1459G>C (p.Val487Leu)

Gene: MEFV (MEFV innate immunity regulator, pyrin; minus strand). Cytogenetic location: 16p13.3.
Variant type: single nucleotide variant.
Coding change: c.1459G>C on transcript NM_000243.3 (MANE Select); coding-DNA position 1459, G replaced by C.
Protein change: p.Val487Leu; replaces valine 487 with leucine.
Molecular consequence: missense variant.
Genome position (GRCh38, 1-based): chr16:3,247,144, C>G on the plus strand (G>C on the coding strand, the complement: MEFV is on the minus strand). VCF-style: chr16-3247144-C-G. GRCh37 (hg19) VCF-style: chr16-3297144-C-G.
Other names: p.Val487Leu; c.826G>C, p.Val276Leu (NM_001198536.2); short protein forms V487L, V276L.
Identifiers: ClinVar variation 378132 (VCV000378132.24), dbSNP rs104895100, ClinGen allele CA7860122.
Genomic context (GRCh38, chr16:3,247,144, plus strand): 5'-CGATGTCCTGGGATACGCGGGTGTCATATGCCTTCCTGATCTGCCCAACCATCTGGCCCA[C>G]GTCCTCCAGTGAGGCCACAAAGAAATGCTCTTGCTGCTCCAGGAAGTAGTACACCTGCTC-3'
Protein context (NP_000234.1, residues 477-497): EHFFVASLED[Val487Leu]GQMVGQIRKA

ClinVar aggregate classification (germline): Conflicting classifications of pathogenicity. Review status: criteria provided, conflicting classifications (1 of 4 stars). 11 submissions from 10 submitters: Uncertain significance (5); Likely benign (4). 2 of the submissions do not count toward it. Last evaluated 2026-05-12.

Conditions:
Autoinflammatory syndrome. Identifiers: Orphanet 93665, MedGen C3890737, MONDO:0019751.
Familial Mediterranean fever, autosomal dominant. Also called: FMF, AUTOSOMAL DOMINANT; Dominant Familial Mediterranean Fever. Identifiers: Orphanet 342, MedGen C1851347, MONDO:0007601, OMIM 134610.
Familial Mediterranean fever (FMF). Also called: POLYSEROSITIS, FAMILIAL PAROXYSMAL; POLYSEROSITIS, RECURRENT; Periodic peritonitis; Benign paroxysmal peritonitis. Identifiers: Orphanet 342, MedGen C0031069, MONDO:0018088, OMIM 249100. Disease mechanism: gain of function.

Allele frequency attached by ClinVar (database versions not stated): ExAC 0.00082; 1000 Genomes Project 0.00100; 1000 Genomes Project 30x 0.00109; gnomAD 0.00207; ESP Exome Variant Server 0.00269; TOPMed 0.00269.
gnomAD v4.1: 658 of 1,614,190 alleles (0.041%); highest among the groups gnomAD compares: African/African-American, 0.76%; 3 homozygotes.

Submissions (11):

Women's Health and Genetics/Laboratory Corporation of America, LabCorp
Classification: Uncertain significance. Last evaluated: 2026-05-12. Review status: criteria provided, single submitter. Criteria: LabCorp Variant Classification Summary - May 2015. Collection method: clinical testing. Allele origin: germline.
Comment: Variant summary: MEFV c.1459G>C (p.Val487Leu) results in a conservative amino acid change in the encoded protein sequence. Algorithms developed to predict the effect of missense changes on protein structure and function all suggest that this variant is likely to be tolerated. The variant allele was found at a frequency of 0.00061 in 251496 control chromosomes in the gnomAD database, including 2 homozygotes. This frequency is not significantly higher than estimated for disease-causing variants in MEFV, allowing no conclusion about variant significance. c.1459G>C has been observed in the heterozygous state in at least one individual with clinically suspected Familial Mediterranean Fever (e.g. Gumus_2018). This report does not provide unequivocal conclusions about association of the variant with Familial Mediterranean Fever. At least one publication reports experimental evidence evaluating an impact on protein function. These results showed no increased inflammasome activation due to this variant and the authors classified it as benign (Bronnec_2026). The following publications have been ascertained in the context of this evaluation (PMID: 31411330, 41335224, 29599418, 29735907, 29178647). ClinVar contains an entry for this variant (Variation ID: 378132). Based on the evidence outlined above, the variant was classified as VUS-possibly benign.

Labcorp Genetics (formerly Invitae), Labcorp
Classification: Likely benign for Familial Mediterranean fever. Last evaluated: 2026-01-28. Review status: criteria provided, single submitter. Criteria: Invitae Variant Classification Sherloc (09022015). Collection method: clinical testing. Allele origin: germline.

Blueprint Genetics
Classification: Likely benign. Last evaluated: 2024-11-15. Review status: criteria provided, single submitter. Criteria: ACMG Guidelines, 2015. Collection method: clinical testing. Allele origin: germline.

ARUP Laboratories, Molecular Genetics and Genomics, ARUP Laboratories
Classification: Uncertain significance. Last evaluated: 2024-05-09. Review status: criteria provided, single submitter. Criteria: ARUP Molecular Germline Variant Investigation Process 2024. Collection method: clinical testing. Allele origin: germline.
Comment: The MEFV c.1459G>C; p.Val487Leu variant (rs104895100) has been reported in individuals affected with familial Mediterranean fever (see link to database, Gumus 2018, Moradian 2017), but was not determined to be causative and was classified as "unsolved" by an expert panel (Van Gijn 2018). The variant is reported in the ClinVar database (Variation ID: 378132) and is reported in the African population with an allele frequency of 0.76% (189/24,964 alleles including 2 homozygotes) in the Genome Aggregation Database (v2.1.1). Computational analyses predict that this variant is neutral (REVEL: 0.075). Although the population frequency of this variant is relatively high, the possibility of reduced penetrance or a mild effect cannot be excluded. Therefore, due to conflicting information and lack of functional data, the significance of this variant cannot be determined with certainty. References: Link to Infevers database: Gumus E. The Frequency of MEFV Gene Mutations and Genotypes in Sanliurfa Province, South-Eastern Region of Turkey, after the Syrian Civil War by Using Next Generation Sequencing and Report of a Novel Exon 4 Mutation (I423T). J Clin Med. 2018 May 7;7(5):105. PMID: 29735907. Moradian MM et al. Comprehensive analysis of mutations in the MEFV gene reveal that the location and not the substitution type determines symptom severity in FMF. Mol Genet Genomic Med. 2017 Nov;5(6):742-750. PMID: 29178647. Van Gijn ME et al. New workflow for classification of genetic variants' pathogenicity applied to hereditary recurrent fevers by the International Study Group for Systemic Autoinflammatory Diseases (INSAID). J Med Genet. 2018 Aug;55(8):530-537. PMID: 29599418.

Johns Hopkins Genomics, Johns Hopkins University
Classification: Uncertain significance for Familial Mediterranean fever, autosomal dominant. Last evaluated: 2023-02-27. Review status: criteria provided, single submitter. Criteria: ACMG Guidelines, 2015. Collection method: clinical testing. Allele origin: germline.
Comment: The variant (rs104895100) is present in a large population dataset (gnomAD v3.1.2: 339/152196 total alleles; 0.223%; 3 homozygotes), and has been reported in ClinVar2 (Variation ID 378132). Two bioinformatic tools queried predict that this substitution would be tolerated, but these algorithms have low specificity, especially for predicting gain of function or dominant negative variants. The valine residue at this position is evolutionarily conserved across very few of the species assessed, and most of the species have leucine at this position. We consider the clinical significance of c.1459G>C; p.Val487Leu in MEFV to be uncertain at this time.

Johns Hopkins Genomics, Johns Hopkins University
Classification: Uncertain significance for Familial Mediterranean fever. Last evaluated: 2023-02-27. Review status: criteria provided, single submitter. Criteria: ACMG Guidelines, 2015. Collection method: clinical testing. Allele origin: germline.
Comment: the same text as in the submission from Johns Hopkins Genomics, Johns Hopkins University above.

Mayo Clinic Laboratories, Mayo Clinic
Classification: Uncertain significance. Last evaluated: 2022-11-08. Review status: criteria provided, single submitter. Criteria: ACMG Guidelines, 2015. Collection method: clinical testing. Allele origin: germline. Observed: 2 variant alleles.
Comment: BP4

GeneDx
Classification: Likely benign. Last evaluated: 2020-01-06. Review status: criteria provided, single submitter. Criteria: GeneDx Variant Classification Process June 2021. Collection method: clinical testing. Allele origin: germline. Affected: yes.

Genome Diagnostics Laboratory, The Hospital for Sick Children
Classification: Likely benign for Autoinflammatory syndrome. Last evaluated: 2019-11-01. Review status: criteria provided, single submitter. Criteria: ACMG Guidelines, 2015. Collection method: clinical testing. Allele origin: germline. Affected: yes.

Clinical Genetics DNA and cytogenetics Diagnostics Lab, Erasmus MC, Erasmus Medical Center
Classification: Likely benign. Review status: no assertion criteria provided. Collection method: clinical testing. Allele origin: germline. Affected: yes. Study: VKGL Data-share Consensus. Not counted in ClinVar's aggregate classification.

Genome Diagnostics Laboratory, University Medical Center Utrecht
Classification: Likely benign. Review status: no assertion criteria provided. Collection method: clinical testing. Allele origin: germline. Affected: yes. Study: VKGL Data-share Consensus. Not counted in ClinVar's aggregate classification.

Literature cited by the submitters: PubMed 29735907 (cited by 3 submitters); PubMed 29178647 (cited by Women's Health and Genetics/Laboratory Corporation of America, LabCorp and Johns Hopkins Genomics, Johns Hopkins University); PubMed 29599418 (cited by 3 submitters); PubMed 31411330 (cited by 3 submitters); PubMed 41335224 (cited by Women's Health and Genetics/Laboratory Corporation of America, LabCorp).